The following is an entry in ClinVar:

NM_001283009.2(RTEL1):c.2852G>T (p.Gly951Val)

Genes: RTEL1 (regulator of telomere elongation helicase 1; plus strand), RTEL1-TNFRSF6B (RTEL1-TNFRSF6B readthrough (NMD candidate); plus strand). Cytogenetic location: 20q13.33.
Variant type: single nucleotide variant.
Coding change: c.2852G>T on transcript NM_001283009.2 (MANE Select); coding-DNA position 2852, G replaced by T.
Protein change: p.Gly951Val; replaces glycine 951 with valine.
Molecular consequence: missense variant. On other transcripts: non-coding transcript variant (1).
Genome position (GRCh38, 1-based): chr20:63,693,143, G>T. VCF-style: chr20-63693143-G-T. GRCh37 (hg19) VCF-style: chr20-62324496-G-T.
Other names: c.2183G>T, p.Gly728Val (NM_001283010.1); c.2852G>T, p.Gly951Val (NM_016434.4); c.2924G>T, p.Gly975Val (NM_032957.5); short protein forms G728V, G951V, G975V.
Identifiers: ClinVar variation 846273 (VCV000846273.11), dbSNP rs925928624, ClinGen allele CA317521824.

ClinVar aggregate classification (germline): Uncertain significance. Review status: criteria provided, multiple submitters, no conflicts (2 of 4 stars). 2 submissions from 2 submitters: Uncertain significance (2). Last evaluated 2024-12-15.

Conditions:
Dyskeratosis congenita, autosomal recessive 5 (DKCB5). Identifiers: MedGen C3554656, MONDO:0014076, OMIM 615190.
Pulmonary fibrosis and/or bone marrow failure, Telomere-related, 3. Also called: PULMONARY FIBROSIS AND/OR BONE MARROW FAILURE SYNDROME, TELOMERE-RELATED, 3. Identifiers: Orphanet 2032, MedGen C4225346, MONDO:0014613, OMIM 616373.
Inborn genetic diseases. Identifiers: MedGen C0950123, MeSH D030342.

Allele frequency attached by ClinVar (database versions not stated): gnomAD 0.00001; TOPMed 0.00002.
gnomAD v4.1: 1 of 1,612,092 alleles (0.000062%); highest among the groups gnomAD compares: African/African-American, 0.0013%; no homozygotes.

Submissions (2):

Ambry Genetics
Classification: Uncertain significance for Inborn genetic diseases. Last evaluated: 2024-12-15. Review status: criteria provided, single submitter. Criteria: Ambry Variant Classification Scheme 2023. Collection method: clinical testing. Allele origin: germline.
Comment: The p.G951V variant (also known as c.2852G>T) is located in coding exon 29 of the RTEL1 gene. The glycine at codon 951 is replaced by valine, an amino acid with dissimilar properties. This change occurs in the first base pair of coding exon 29. This amino acid position is conserved. In addition, the in silico prediction for this alteration is inconclusive. Based on the available evidence, the clinical significance of this variant remains unclear.

Labcorp Genetics (formerly Invitae), Labcorp
Classification: Uncertain significance for Dyskeratosis congenita, autosomal recessive 5; Pulmonary fibrosis and/or bone marrow failure, Telomere-related, 3. Last evaluated: 2021-06-24. Review status: criteria provided, single submitter. Criteria: Invitae Variant Classification Sherloc (09022015). Collection method: clinical testing. Allele origin: germline.
Comment: In summary, the available evidence is currently insufficient to determine the role of this variant in disease. Therefore, it has been classified as a Variant of Uncertain Significance. Algorithms developed to predict the effect of sequence changes on RNA splicing suggest that this variant may disrupt the consensus splice site, but this prediction has not been confirmed by published transcriptional studies. Algorithms developed to predict the effect of missense changes on protein structure and function are either unavailable or do not agree on the potential impact of this missense change (SIFT: "Tolerated"; PolyPhen-2: "Probably Damaging"; Align-GVGD: "Class C0"). This variant has not been reported in the literature in individuals with RTEL1-related conditions. This variant is not present in population databases (ExAC no frequency). This sequence change replaces glycine with valine at codon 951 of the RTEL1 protein (p.Gly951Val). The glycine residue is weakly conserved and there is a moderate physicochemical difference between glycine and valine.